The following is an entry in ClinVar:

NM_001330078.2(NRXN1):c.3418C>G (p.Pro1140Ala)

Gene: NRXN1 (neurexin 1; minus strand). Cytogenetic location: 2p16.3.
Variant type: single nucleotide variant.
Coding change: c.3418C>G on transcript NM_001330078.2 (MANE Select); coding-DNA position 3418, C replaced by G.
Protein change: p.Pro1140Ala; replaces proline 1140 with alanine.
Molecular consequence: missense variant.
Genome position (GRCh38, 1-based): chr2:50,236,917, G>C on the plus strand (C>G on the coding strand, the complement: NRXN1 is on the minus strand). VCF-style: chr2-50236917-G-C. GRCh37 (hg19) VCF-style: chr2-50464055-G-C.
Other names: c.3307C>G, p.Pro1103Ala (NM_001330087.2, NM_001330096.2); c.3337C>G, p.Pro1113Ala (NM_001330088.2); c.313C>G, p.Pro105Ala (NM_001330091.2, NM_001330092.2, NM_001330097.2 and 1 more transcripts); c.3415C>G, p.Pro1139Ala (NM_001330093.2); c.3406C>G, p.Pro1136Ala (NM_001330094.2); c.3367C>G, p.Pro1123Ala (NM_001330095.2); c.3418C>G, p.Pro1140Ala (NM_004801.6, NM_001330086.2); c.3538C>G, p.Pro1180Ala (NM_001135659.3); and 3 more; short protein forms P1113A, P1131A, P1140A, P1180A, P1118A, P1123A, P1103A, P105A.
Identifiers: ClinVar variation 3655476 (VCV003655476.2).

ClinVar aggregate classification (germline): Uncertain significance (1 of 4 stars; one submission).

Conditions:
Pitt-Hopkins-like syndrome 2 (PTHSL2). Identifiers: Orphanet 221150, Orphanet 600663, MedGen C3280479, MONDO:0013690, OMIM 614325.

Submission:

Labcorp Genetics (formerly Invitae), Labcorp
Classification: Uncertain significance for Pitt-Hopkins-like syndrome 2. Last evaluated: 2024-10-24. Review status: criteria provided, single submitter. Criteria: Invitae Variant Classification Sherloc (09022015). Collection method: clinical testing. Allele origin: germline.
Comment: This sequence change replaces proline, which is neutral and non-polar, with alanine, which is neutral and non-polar, at codon 1180 of the NRXN1 protein (p.Pro1180Ala). This variant is not present in population databases (gnomAD no frequency). This variant has not been reported in the literature in individuals affected with NRXN1-related conditions. Invitae Evidence Modeling of protein sequence and biophysical properties (such as structural, functional, and spatial information, amino acid conservation, physicochemical variation, residue mobility, and thermodynamic stability) indicates that this missense variant is not expected to disrupt NRXN1 protein function with a negative predictive value of 80%. In summary, the available evidence is currently insufficient to determine the role of this variant in disease. Therefore, it has been classified as a Variant of Uncertain Significance.